The following is an entry in ClinVar:

ClinVar aggregate classification (germline): Uncertain significance (1 of 4 stars; one submission).

Conditions:
Marfan syndrome (MFS). Also called: MARFAN SYNDROME, TYPE I; Marfan syndrome type 1; Marfan's syndrome; FBN1-Related Marfan Syndrome; Marfan syndrome, classic. Identifiers: Orphanet 284963, Orphanet 558, MedGen C0024796, MONDO:0007947, OMIM 154700.

gnomAD v4.1: 2 of 1,614,058 alleles (0.00012%); highest among the groups gnomAD compares: Non-Finnish European, 0.00017%; no homozygotes.

Submission:

All of Us Research Program, National Institutes of Health
Classification: Uncertain significance for Marfan syndrome. Last evaluated: 2024-04-16. Review status: criteria provided, single submitter. Criteria: ACMG Guidelines, 2015. Collection method: clinical testing. Allele origin: germline. Inheritance: Autosomal dominant inheritance. Observed: 1 variant allele, 1 heterozygote.
Comment: This missense variant replaces threonine with arginine at codon 338 of the FBN1 protein. Computational prediction suggests that this variant may not impact protein structure and function (internally defined REVEL score threshold <= 0.5, PMID: 27666373). To our knowledge, functional studies have not been reported for this variant. This variant has not been reported in individuals affected with FBN1-related disorders in the literature. This variant has not been identified in the general population by the Genome Aggregation Database (gnomAD). The available evidence is insufficient to determine the role of this variant in disease conclusively. Therefore, this variant is classified as a Variant of Uncertain Significance.

This study involves interpretation of variants in research participants for the purpose of population health screening. Participant phenotype was not available at the time of variant classification. Additional details can be found in publication PMID: 35346344, PMCID: PMC8962531

NM_000138.5(FBN1):c.1013C>G (p.Thr338Arg)

Genes: FBN1 (fibrillin 1; minus strand), LOC113939944 (Sharpr-MPRA regulatory region 9539; plus strand). Cytogenetic location: 15q21.1.
Variant type: single nucleotide variant.
Coding change: c.1013C>G on transcript NM_000138.5 (MANE Select); coding-DNA position 1013, C replaced by G.
Protein change: p.Thr338Arg; replaces threonine 338 with arginine.
Molecular consequence: missense variant.
Genome position (GRCh38, 1-based): chr15:48,520,793, G>C on the plus strand (C>G on the coding strand, the complement: FBN1 is on the minus strand). VCF-style: chr15-48520793-G-C. GRCh37 (hg19) VCF-style: chr15-48812990-G-C.
Other names: c.1013C>G, p.Thr338Arg (NM_001406716.1); short protein forms T338R.
Identifiers: ClinVar variation 3386860 (VCV003386860.1).